The following is an entry in ClinVar:

ClinVar aggregate classification (germline): Uncertain significance. Review status: criteria provided, multiple submitters, no conflicts (2 of 4 stars). 3 submissions from 3 submitters: Uncertain significance (3). Last evaluated 2024-03-26.

Conditions:
Noonan syndrome 9 (NS9). Identifiers: Orphanet 648, MedGen C4225282, MONDO:0014691, OMIM 616559.
Cardiovascular phenotype. Identifiers: MedGen CN230736.

Allele frequency attached by ClinVar (database versions not stated): gnomAD exomes below 0.00001; TOPMed below 0.00001; gnomAD 0.00001.
gnomAD v4.1: 2 of 1,613,792 alleles (0.00012%); highest among the groups gnomAD compares: Non-Finnish European, 0.00017%; no homozygotes.

Submissions (3):

Labcorp Genetics (formerly Invitae), Labcorp
Classification: Uncertain significance for Noonan syndrome 9. Last evaluated: 2024-03-26. Review status: criteria provided, single submitter. Criteria: Invitae Variant Classification Sherloc (09022015). Collection method: clinical testing. Allele origin: germline.
Comment: This sequence change replaces glutamic acid, which is acidic and polar, with aspartic acid, which is acidic and polar, at codon 519 of the SOS2 protein (p.Glu519Asp). This variant is not present in population databases (gnomAD no frequency). This variant has not been reported in the literature in individuals affected with SOS2-related conditions. ClinVar contains an entry for this variant (Variation ID: 1412211). Advanced modeling of protein sequence and biophysical properties (such as structural, functional, and spatial information, amino acid conservation, physicochemical variation, residue mobility, and thermodynamic stability) performed at Invitae indicates that this missense variant is not expected to disrupt SOS2 protein function with a negative predictive value of 80%. In summary, the available evidence is currently insufficient to determine the role of this variant in disease. Therefore, it has been classified as a Variant of Uncertain Significance.

Ambry Genetics
Classification: Uncertain significance for Cardiovascular phenotype. Last evaluated: 2022-04-04. Review status: criteria provided, single submitter. Criteria: Ambry Variant Classification Scheme 2023. Collection method: clinical testing. Allele origin: germline.
Comment: The p.E519D variant (also known as c.1557G>C), located in coding exon 10 of the SOS2 gene, results from a G to C substitution at nucleotide position 1557. The glutamic acid at codon 519 is replaced by aspartic acid, an amino acid with highly similar properties. This amino acid position is conserved. In addition, this alteration is predicted to be tolerated by in silico analysis. Since supporting evidence is limited at this time, the clinical significance of this alteration remains unclear.

Genome-Nilou Lab
Classification: Uncertain significance for Noonan syndrome 9. Review status: criteria provided, single submitter. Criteria: ACMG Guidelines, 2015. Collection method: clinical testing. Allele origin: germline.

NM_006939.4(SOS2):c.1557G>C (p.Glu519Asp)

Gene: SOS2 (SOS Ras/Rho guanine nucleotide exchange factor 2; minus strand). Cytogenetic location: 14q21.3.
Variant type: single nucleotide variant.
Coding change: c.1557G>C on transcript NM_006939.4 (MANE Select); coding-DNA position 1557, G replaced by C.
Protein change: p.Glu519Asp; replaces glutamic acid 519 with aspartic acid.
Molecular consequence: missense variant.
Genome position (GRCh38, 1-based): chr14:50,159,726, C>G on the plus strand (G>C on the coding strand, the complement: SOS2 is on the minus strand). VCF-style: chr14-50159726-C-G. GRCh37 (hg19) VCF-style: chr14-50626444-C-G.
Other names: short protein forms E519D.
Identifiers: ClinVar variation 1412211 (VCV001412211.11), dbSNP rs1884935096, ClinGen allele CA389645497.